The following is an entry in ClinVar:

NM_017617.5(NOTCH1):c.4185C>T (p.Asn1395=)

Gene: NOTCH1 (notch receptor 1; minus strand). Cytogenetic location: 9q34.3.
Variant type: single nucleotide variant.
Coding change: c.4185C>T on transcript NM_017617.5 (MANE Select); coding-DNA position 4185, C replaced by T.
Protein change: p.Asn1395=; no amino-acid change (asparagine 1395 retained).
Molecular consequence: synonymous variant.
Genome position (GRCh38, 1-based): chr9:136,505,711, G>A on the plus strand (C>T on the coding strand, the complement: NOTCH1 is on the minus strand). VCF-style: chr9-136505711-G-A. GRCh37 (hg19) VCF-style: chr9-139400163-G-A.
Other names: p.Asn1395=; c.4185C>T, p.Asn1395= (LRG_1122t1).
Identifiers: ClinVar variation 415388 (VCV000415388.20), dbSNP rs749570626, ClinGen allele CA5340667.

ClinVar aggregate classification (germline): Benign/Likely benign. Review status: criteria provided, multiple submitters, no conflicts (2 of 4 stars). 8 submissions from 7 submitters: Benign (2); Likely benign (6). Last evaluated 2025-06-04.

Conditions:
Adams-Oliver syndrome 5 (AOS5). Identifiers: Orphanet 974, MedGen C4014970, MONDO:0014459, OMIM 616028.
Familial thoracic aortic aneurysm and aortic dissection (TAAD). Also called: Thoracic aortic aneurysms and dissections. Identifiers: Orphanet 91387, MedGen C4707243, MONDO:0019625.
Aortic valve disease 1 (AOVD1). Identifiers: MedGen C3887892, MONDO:0024523, OMIM 109730.

Allele frequency attached by ClinVar (database versions not stated): gnomAD exomes 0.00003 and 0.00004; ExAC 0.00004; gnomAD 0.00004; TOPMed 0.00004.
gnomAD v4.1: 69 of 1,602,188 alleles (0.0043%); highest among the groups gnomAD compares: Non-Finnish European, 0.0057%; no homozygotes.

Submissions (8):

Labcorp Genetics (formerly Invitae), Labcorp
Classification: Likely benign for Adams-Oliver syndrome 5. Last evaluated: 2025-06-04. Review status: criteria provided, single submitter. Criteria: Invitae Variant Classification Sherloc (09022015). Collection method: clinical testing. Allele origin: germline.

Mayo Clinic Laboratories, Mayo Clinic
Classification: Likely benign. Last evaluated: 2025-05-27. Review status: criteria provided, single submitter. Criteria: ACMG Guidelines, 2015. Collection method: clinical testing. Allele origin: germline. Observed: 1 variant allele.
Comment: BP4, BP7

Blueprint Genetics
Classification: Likely benign. Last evaluated: 2024-05-16. Review status: criteria provided, single submitter. Criteria: ACMG Guidelines, 2015. Collection method: clinical testing. Allele origin: germline.

Women's Health and Genetics/Laboratory Corporation of America, LabCorp
Classification: Likely benign. Last evaluated: 2024-03-17. Review status: criteria provided, single submitter. Criteria: LabCorp Variant Classification Summary - May 2015. Collection method: clinical testing. Allele origin: germline.

Genome-Nilou Lab
Classification: Benign for Adams-Oliver syndrome 5. Last evaluated: 2022-03-15. Review status: criteria provided, single submitter. Criteria: ACMG Guidelines, 2015. Collection method: clinical testing. Allele origin: germline. Affected: no.

Genome-Nilou Lab
Classification: Benign for Aortic valve disease 1. Last evaluated: 2022-03-15. Review status: criteria provided, single submitter. Criteria: ACMG Guidelines, 2015. Collection method: clinical testing. Allele origin: germline. Affected: no.

GeneDx
Classification: Likely benign. Last evaluated: 2020-11-19. Review status: criteria provided, single submitter. Criteria: GeneDx Variant Classification Process June 2021. Collection method: clinical testing. Allele origin: germline. Affected: yes.

Ambry Genetics
Classification: Likely benign for Familial thoracic aortic aneurysm and aortic dissection. Last evaluated: 2016-12-07. Review status: criteria provided, single submitter. Criteria: Ambry Variant Classification Scheme 2023. Collection method: clinical testing. Allele origin: germline.